The following is an entry in ClinVar:

ClinVar aggregate classification (germline): Benign. Review status: criteria provided, multiple submitters, no conflicts (2 of 4 stars). 8 submissions from 8 submitters: Benign (8). Last evaluated 2026-02-01.

Conditions:
Autosomal dominant nonsyndromic hearing loss 4A. Also called: Deafness, autosomal dominant 4A. Identifiers: Orphanet 90635, MedGen C1833503, MONDO:0010915, OMIM 600652.

Allele frequency attached by ClinVar (database versions not stated): ExAC 0.00454; ESP Exome Variant Server 0.01528; gnomAD 0.01539 and 0.01645; 1000 Genomes Project 0.01657; 1000 Genomes Project 30x 0.01686; TOPMed 0.01692.

Submissions (8):

Labcorp Genetics (formerly Invitae), Labcorp
Classification: Benign. Last evaluated: 2026-02-01. Review status: criteria provided, single submitter. Criteria: Invitae Variant Classification Sherloc (09022015). Collection method: clinical testing. Allele origin: germline.

Mayo Clinic Laboratories, Mayo Clinic
Classification: Benign. Last evaluated: 2025-08-27. Review status: criteria provided, single submitter. Criteria: ACMG Guidelines, 2015. Collection method: clinical testing. Allele origin: germline. Observed: 7 variant alleles.
Comment: BA1

ARUP Laboratories, Molecular Genetics and Genomics, ARUP Laboratories
Classification: Benign. Last evaluated: 2022-07-15. Review status: criteria provided, single submitter. Criteria: ARUP Molecular Germline Variant Investigation Process 2021. Collection method: clinical testing. Allele origin: germline.

Athena Diagnostics
Classification: Benign. Last evaluated: 2018-11-12. Review status: criteria provided, single submitter. Criteria: Athena Diagnostics Criteria. Collection method: clinical testing. Allele origin: germline.

GeneDx
Classification: Benign. Last evaluated: 2018-05-21. Review status: criteria provided, single submitter. Criteria: GeneDx Variant Classification (06012015). Collection method: clinical testing. Allele origin: germline. Affected: yes.
Comment: This variant is considered likely benign or benign based on one or more of the following criteria: it is a conservative change, it occurs at a poorly conserved position in the protein, it is predicted to be benign by multiple in silico algorithms, and/or has population frequency not consistent with disease.

Illumina Laboratory Services, Illumina
Classification: Benign for Autosomal dominant nonsyndromic hearing loss 4A. Last evaluated: 2018-01-12. Review status: criteria provided, single submitter. Criteria: ICSL Variant Classification Criteria 13 December 2019. Collection method: clinical testing. Allele origin: germline.
Comment: This variant was observed in the ICSL laboratory as part of a predisposition screen in an ostensibly healthy population. It had not been previously curated by ICSL or reported in the Human Gene Mutation Database (HGMD: prior to June 1st, 2018), and was therefore a candidate for classification through an automated scoring system. Utilizing variant allele frequency, disease prevalence and penetrance estimates, and inheritance mode, an automated score was calculated to assess if this variant is too frequent to cause the disease. Based on the score and internal cut-off values, a variant classified as benign is not then subjected to further curation. The score for this variant resulted in a classification of benign for this disease.

Laboratory for Molecular Medicine, Mass General Brigham Personalized Medicine
Classification: Benign. Last evaluated: 2012-05-07. Review status: criteria provided, single submitter. Criteria: LMM Criteria. Collection method: clinical testing. Allele origin: germline. Observed: 14 variant alleles.
Comment: Pro342Ala in Exon 10 of MYH14: This variant is not expected to have clinical sig nificance because it has been identified in 4.2% (141/3318) of African American chromosomes from a broad population by the NHLBI Exome Sequencing Project (dbSNP rs34498817).

Breakthrough Genomics
Classification: Benign. Review status: criteria provided, single submitter. Criteria: ACMG Guidelines, 2015. Collection method: not provided. Allele origin: germline. Inheritance: Autosomal dominant inheritance. Affected: yes.

NM_001145809.2(MYH14):c.1024C>G (p.Pro342Ala)

Gene: MYH14 (myosin heavy chain 14; plus strand). Cytogenetic location: 19q13.33.
Variant type: single nucleotide variant.
Coding change: c.1024C>G on transcript NM_001145809.2 (MANE Select); coding-DNA position 1024, C replaced by G.
Protein change: p.Pro342Ala; replaces proline 342 with alanine.
Molecular consequence: missense variant.
Genome position (GRCh38, 1-based): chr19:50,231,980, C>G. VCF-style: chr19-50231980-C-G. GRCh37 (hg19) VCF-style: chr19-50735237-C-G.
Other names: c.1024C>G, p.Pro342Ala (NM_001077186.2); c.1000C>G, p.Pro334Ala (NM_024729.4); short protein forms P342A, P334A.
Identifiers: ClinVar variation 44043 (VCV000044043.22), dbSNP rs34498817, ClinGen allele CA133451.